The following is an entry in ClinVar:

NM_000257.4(MYH7):c.3613G>C (p.Glu1205Gln)

Gene: MYH7 (myosin heavy chain 7; minus strand). Cytogenetic location: 14q11.2.
Variant type: single nucleotide variant.
Coding change: c.3613G>C on transcript NM_000257.4 (MANE Select); coding-DNA position 3613, G replaced by C.
Protein change: p.Glu1205Gln; replaces glutamic acid 1205 with glutamine.
Molecular consequence: missense variant.
Genome position (GRCh38, 1-based): chr14:23,419,958, C>G on the plus strand (G>C on the coding strand, the complement: MYH7 is on the minus strand). VCF-style: chr14-23419958-C-G. GRCh37 (hg19) VCF-style: chr14-23889167-C-G.
Other names: c.3613G>C, p.Glu1205Gln (NM_001407004.1); short protein forms E1205Q.
Identifiers: ClinVar variation 4705676 (VCV004705676.1).
Genomic context (GRCh38, chr14:23,419,958, plus strand): 5'-TGAACTCGCTCTTCTCCTTCTCCAGCTTCTGCTTCACCCGCTGCAGGTTGTCGATCTGCT[C>G]GCCCAGCTCGGCCACGCTGTCGGCGTGCTTCTTGCGCAGGGCCGCGGCAGTGGCCTCGTG-3'
Protein context (NP_000248.2, residues 1195-1215): KHADSVAELG[Glu1205Gln]QIDNLQRVKQ

ClinVar aggregate classification (germline): Conflicting classifications of pathogenicity. Review status: criteria provided, conflicting classifications (1 of 4 stars). 2 submissions from 2 submitters: Likely pathogenic (1); Uncertain significance (1). Last evaluated 2025-08-24.

Conditions:
Cardiomyopathy (CMYO). Also called: Cardiomyopathies. Identifiers: Orphanet 167848, MedGen C0878544, MONDO:0004994, HP:0001638. Inheritance: Various modes of inheritance.
Hypertrophic cardiomyopathy. Also called: HYPERTROPHIC MYOCARDIOPATHY. Identifiers: Orphanet 217569, MedGen C0007194, MeSH D002312, MONDO:0005045, HP:0001639.

Submissions (2):

Labcorp Genetics (formerly Invitae), Labcorp
Classification: Likely pathogenic for Hypertrophic cardiomyopathy. Last evaluated: 2025-08-24. Review status: criteria provided, single submitter. Criteria: Invitae Variant Classification Sherloc (09022015). Collection method: clinical testing. Allele origin: germline.
Comment: This sequence change replaces glutamic acid, which is acidic and polar, with glutamine, which is neutral and polar, at codon 1205 of the MYH7 protein (p.Glu1205Gln). This variant is not present in population databases (gnomAD no frequency). This variant has not been reported in the literature in individuals affected with MYH7-related conditions. Invitae Evidence Modeling of protein sequence and biophysical properties (such as structural, functional, and spatial information, amino acid conservation, physicochemical variation, residue mobility, and thermodynamic stability) indicates that this missense variant is expected to disrupt MYH7 protein function with a positive predictive value of 95%. This variant disrupts the p.Glu1205 amino acid residue in MYH7. Other variant(s) that disrupt this residue have been determined to be pathogenic (PMID: 18258667, 24111713, 26914223, 31737537, 34542152; internal data). This suggests that this residue is clinically significant, and that variants that disrupt this residue are likely to be disease-causing. In summary, the currently available evidence indicates that the variant is pathogenic, but additional data are needed to prove that conclusively. Therefore, this variant has been classified as Likely Pathogenic.

Color Diagnostics, LLC DBA Color Health
Classification: Uncertain significance for Cardiomyopathy. Last evaluated: 2025-06-17. Review status: criteria provided, single submitter. Criteria: ACMG Guidelines, 2015. Collection method: clinical testing. Allele origin: germline.
Comment: This missense variant replaces glutamic acid with glutamine at codon 1205 of the MYH7 protein. Computational prediction suggests that this variant may have deleterious impact on protein structure and function. To our knowledge, functional studies have not been reported for this variant. This variant has not been reported in individuals affected with MYH7-related disorders in the literature. This variant has not been identified in the general population by the Genome Aggregation Database (gnomAD). The available evidence is insufficient to determine the role of this variant in disease conclusively. Therefore, this variant is classified as a Variant of Uncertain Significance.

Literature cited by the submitters: PubMed 18258667 (cited by Labcorp Genetics (formerly Invitae), Labcorp); PubMed 24111713 (cited by Labcorp Genetics (formerly Invitae), Labcorp); PubMed 26914223 (cited by Labcorp Genetics (formerly Invitae), Labcorp); PubMed 31737537 (cited by Labcorp Genetics (formerly Invitae), Labcorp); PubMed 34542152 (cited by Labcorp Genetics (formerly Invitae), Labcorp).